The following is an entry in ClinVar:

ClinVar aggregate classification (germline): Conflicting classifications of pathogenicity. Review status: criteria provided, conflicting classifications (1 of 4 stars). 3 submissions from 3 submitters: Uncertain significance (2); Likely benign (1). Last evaluated 2024-05-22.

Conditions:
Inborn genetic diseases. Identifiers: MedGen C0950123, MeSH D030342.
Intellectual disability, CASK-related, X-linked. Identifiers: MedGen CN043158.

Allele frequency attached by ClinVar (database versions not stated): TOPMed below 0.00001; gnomAD 0.00001.
gnomAD v4.1: 17 of 1,193,176 alleles (0.0014%); highest among the groups gnomAD compares: African/African-American, 0.0018%; no homozygotes.

Submissions (3):

Labcorp Genetics (formerly Invitae), Labcorp
Classification: Likely benign for Intellectual disability, CASK-related, X-linked. Last evaluated: 2024-05-22. Review status: criteria provided, single submitter. Criteria: Invitae Variant Classification Sherloc (09022015). Collection method: clinical testing. Allele origin: germline.

GeneDx
Classification: Uncertain significance. Last evaluated: 2022-05-16. Review status: criteria provided, single submitter. Criteria: GeneDx Variant Classification Process June 2021. Collection method: clinical testing. Allele origin: germline. Affected: yes.
Comment: Not observed at significant frequency in large population cohorts (gnomAD); In silico analysis supports that this missense variant does not alter protein structure/function; Has not been previously published as pathogenic or benign to our knowledge

Ambry Genetics
Classification: Uncertain significance for Inborn genetic diseases. Last evaluated: 2018-04-10. Review status: criteria provided, single submitter. Criteria: Ambry Variant Classification Scheme 2023. Collection method: clinical testing. Allele origin: germline.
Comment: The p.E333K variant (also known as c.997G>A), located in coding exon 10 of the CASK gene, results from a G to A substitution at nucleotide position 997. The glutamic acid at codon 333 is replaced by lysine, an amino acid with similar properties. This amino acid position is well conserved in available vertebrate species. In addition, the in silico prediction for this alteration is inconclusive. Since supporting evidence is limited at this time, the clinical significance of this alteration remains unclear.

NM_001367721.1(CASK):c.997G>A (p.Glu333Lys)

Gene: CASK (calcium/calmodulin dependent serine protein kinase; minus strand). Cytogenetic location: Xp11.4.
Variant type: single nucleotide variant.
Coding change: c.997G>A on transcript NM_001367721.1 (MANE Select); coding-DNA position 997, G replaced by A.
Protein change: p.Glu333Lys; replaces glutamic acid 333 with lysine.
Molecular consequence: missense variant.
Genome position (GRCh38, 1-based): chrX:41,626,622, C>T on the plus strand (G>A on the coding strand, the complement: CASK is on the minus strand). VCF-style: chrX-41626622-C-T. GRCh37 (hg19) VCF-style: chrX-41485875-C-T.
Other names: c.997G>A, p.Glu333Lys (NM_001126054.3, NM_001126055.3, NM_001410745.1 and 1 more transcripts); short protein forms E333K.
Identifiers: ClinVar variation 1387919 (VCV001387919.9), dbSNP rs1361659361, ClinGen allele CA412993900.